The following is an entry in ClinVar:

NM_022168.4(IFIH1):c.1378_1379inv (p.His460Cys)

Gene: IFIH1 (interferon induced with helicase C domain 1; minus strand). Cytogenetic location: 2q24.2.
Variant type: Inversion.
Coding change: c.1378_1379inv on transcript NM_022168.4 (MANE Select).
Protein change: p.His460Cys; replaces histidine 460 with cysteine.
Molecular consequence: missense variant.
Genome position: GRCh38 VCF-style: chr2-162281473-TG-CA. GRCh37 (hg19) VCF-style: chr2-163137983-TG-CA.
Other names: short protein forms H460C.
Identifiers: ClinVar variation 1401785 (VCV001401785.5), ClinGen allele CA2573133442.

ClinVar aggregate classification (germline): Uncertain significance (1 of 4 stars; one submission).

Conditions:
Singleton-Merten syndrome 1 (SGMRT1). Also called: Widened medullary cavities of bone, aortic calcification, abnormal dentition, and muscular weakness; Syndrome of widened medullary cavities of the metacarpals and phalanges, aortic calcification and abnormal dentition. Identifiers: Orphanet 85191, MedGen C4225427, MONDO:0024535, OMIM 182250.
Aicardi-Goutieres syndrome 7 (AGS7). Identifiers: Orphanet 51, MedGen C3888244, MONDO:0014367, OMIM 615846.

Submission:

Labcorp Genetics (formerly Invitae), Labcorp
Classification: Uncertain significance for Aicardi-Goutieres syndrome 7; Singleton-Merten syndrome 1. Last evaluated: 2025-09-02. Review status: criteria provided, single submitter. Criteria: Invitae Variant Classification Sherloc (09022015). Collection method: clinical testing. Allele origin: germline.
Comment: This sequence change replaces histidine, which is basic and polar, with cysteine, which is neutral and slightly polar, at codon 460 of the IFIH1 protein (p.His460Cys). The frequency data for this variant in the population databases is considered unreliable, as metrics indicate poor data quality at this position in the gnomAD database. This variant has not been reported in the literature in individuals affected with IFIH1-related conditions. ClinVar contains an entry for this variant (Variation ID: 1401785). An algorithm developed to predict the effect of missense changes on protein structure and function (PolyPhen-2) suggests that this variant is likely to be tolerated. In summary, the available evidence is currently insufficient to determine the role of this variant in disease. Therefore, it has been classified as a Variant of Uncertain Significance.